The following is an entry in ClinVar:

NM_001482.3(GATM):c.620G>A (p.Gly207Asp)

Gene: GATM (glycine amidinotransferase; minus strand). Cytogenetic location: 15q21.1.
Variant type: single nucleotide variant.
Coding change: c.620G>A on transcript NM_001482.3 (MANE Select); coding-DNA position 620, G replaced by A.
Protein change: p.Gly207Asp; replaces glycine 207 with aspartic acid.
Molecular consequence: missense variant.
Genome position (GRCh38, 1-based): chr15:45,368,125, C>T on the plus strand (G>A on the coding strand, the complement: GATM is on the minus strand). VCF-style: chr15-45368125-C-T. GRCh37 (hg19) VCF-style: chr15-45660323-C-T.
Other names: c.233G>A, p.Gly78Asp (NM_001321015.2); short protein forms G207D, G78D.
Identifiers: ClinVar variation 4709992 (VCV004709992.1).

ClinVar aggregate classification (germline): Uncertain significance (1 of 4 stars; one submission).

Conditions:
Arginine:glycine amidinotransferase deficiency (CCDS3). Also called: L-Arginine:Glycine Amidinotransferase (AGAT) Deficiency; AGAT deficiency; L-Arginine:Glycine Amidinotransferase Deficiency; Creatine deficiency syndrome due to AGAT deficiency; GATM deficiency; Cerebral creatine deficiency syndrome 3. Identifiers: Orphanet 35704, MedGen C2675179, MONDO:0012996, OMIM 612718.

Submission:

Labcorp Genetics (formerly Invitae), Labcorp
Classification: Uncertain significance for Arginine:glycine amidinotransferase deficiency. Last evaluated: 2025-11-23. Review status: criteria provided, single submitter. Criteria: Invitae Variant Classification Sherloc (09022015). Collection method: clinical testing. Allele origin: germline.
Comment: This sequence change replaces glycine, which is neutral and non-polar, with aspartic acid, which is acidic and polar, at codon 207 of the GATM protein (p.Gly207Asp). This variant is not present in population databases (gnomAD no frequency). This variant has not been reported in the literature in individuals affected with GATM-related conditions. Invitae Evidence Modeling of protein sequence and biophysical properties (such as structural, functional, and spatial information, amino acid conservation, physicochemical variation, residue mobility, and thermodynamic stability) indicates that this missense variant is expected to disrupt GATM protein function with a positive predictive value of 95%. In summary, the available evidence is currently insufficient to determine the role of this variant in disease. Therefore, it has been classified as a Variant of Uncertain Significance.